The following is an entry in ClinVar:

ClinVar aggregate classification (germline): Benign. Review status: criteria provided, multiple submitters, no conflicts (2 of 4 stars). 10 submissions from 10 submitters: Benign (8). 2 of the submissions do not count toward it. Last evaluated 2026-05-11.

Conditions:
Factor XIII, b subunit, deficiency of. Also called: Factor XIII subunit B deficiency. Identifiers: Orphanet 331, MedGen C2750481, MONDO:0013190, OMIM 613235, HP:0040234.

Allele frequency attached by ClinVar (database versions not stated): ESP Exome Variant Server 0.38861; gnomAD 0.42860 and 0.44136; TOPMed 0.43912; gnomAD exomes 0.49297 and 0.54006; 1000 Genomes Project 30x 0.51265; 1000 Genomes Project 0.52496; ExAC 0.52701.
gnomAD v4.1: 787,108 of 1,611,534 alleles (49%); highest among the groups gnomAD compares: East Asian, 83%; 200,693 homozygotes.

Submissions (10):

Women's Health and Genetics/Laboratory Corporation of America, LabCorp
Classification: Benign. Last evaluated: 2026-05-11. Review status: criteria provided, single submitter. Criteria: LabCorp Variant Classification Summary - May 2015. Collection method: clinical testing. Allele origin: germline.

Blueprint Genetics
Classification: Benign. Last evaluated: 2024-11-26. Review status: criteria provided, single submitter. Criteria: ACMG Guidelines, 2015. Collection method: clinical testing. Allele origin: germline.

Genome-Nilou Lab
Classification: Benign for Factor XIII, b subunit, deficiency of. Last evaluated: 2021-08-10. Review status: criteria provided, single submitter. Criteria: ACMG Guidelines, 2015. Collection method: clinical testing. Allele origin: germline. Affected: no.

GeneDx
Classification: Benign. Last evaluated: 2018-11-12. Review status: criteria provided, single submitter. Criteria: GeneDx Variant Classification Process June 2021. Collection method: clinical testing. Allele origin: germline. Affected: yes.

Illumina Laboratory Services, Illumina
Classification: Benign for Factor XIII, b subunit, deficiency of. Last evaluated: 2018-01-13. Review status: criteria provided, single submitter. Criteria: ICSL Variant Classification Criteria 13 December 2019. Collection method: clinical testing. Allele origin: germline.
Comment: This variant was observed in the ICSL laboratory as part of a predisposition screen in an ostensibly healthy population. It had not been previously curated by ICSL or reported in the Human Gene Mutation Database (HGMD: prior to June 1st, 2018), and was therefore a candidate for classification through an automated scoring system. Utilizing variant allele frequency, disease prevalence and penetrance estimates, and inheritance mode, an automated score was calculated to assess if this variant is too frequent to cause the disease. Based on the score and internal cut-off values, a variant classified as benign is not then subjected to further curation. The score for this variant resulted in a classification of benign for this disease.

Mayo Clinic Laboratories, Mayo Clinic
Classification: Benign. Last evaluated: 2016-05-26. Review status: criteria provided, single submitter. Criteria: ACMG Guidelines, 2015. Collection method: clinical testing. Allele origin: germline. Observed: 163 variant alleles.

Breakthrough Genomics
Classification: Benign. Review status: criteria provided, single submitter. Criteria: ACMG Guidelines, 2015. Collection method: not provided. Allele origin: germline. Inheritance: Autosomal recessive inheritance. Affected: yes.

PreventionGenetics, part of Exact Sciences
Classification: Benign. Review status: criteria provided, single submitter. Criteria: ACMG Guidelines, 2015. Collection method: clinical testing. Allele origin: germline.

Diagnostic Laboratory, Department of Genetics, University Medical Center Groningen
Classification: Benign. Review status: no assertion criteria provided. Collection method: clinical testing. Allele origin: germline. Affected: yes. Study: VKGL Data-share Consensus. Not counted in ClinVar's aggregate classification.

Joint Genome Diagnostic Labs from Nijmegen and Maastricht, Radboudumc and MUMC+
Classification: Benign. Review status: no assertion criteria provided. Collection method: clinical testing. Allele origin: germline. Affected: yes. Study: VKGL Data-share Consensus. Not counted in ClinVar's aggregate classification.

NM_001994.3(F13B):c.1806T>C (p.Asn602=)

Gene: F13B (coagulation factor XIII B chain; minus strand). Cytogenetic location: 1q31.3.
Variant type: single nucleotide variant.
Coding change: c.1806T>C on transcript NM_001994.3 (MANE Select); coding-DNA position 1806, T replaced by C.
Protein change: p.Asn602=; no amino-acid change (asparagine 602 retained).
Molecular consequence: synonymous variant.
Genome position (GRCh38, 1-based): chr1:197,040,668, A>G on the plus strand (T>C on the coding strand, the complement: F13B is on the minus strand). VCF-style: chr1-197040668-A-G. GRCh37 (hg19) VCF-style: chr1-197009798-A-G.
Other names: p.Asn602=.
Identifiers: ClinVar variation 258504 (VCV000258504.18), dbSNP rs5998, ClinGen allele CA1308229.